The following is an entry in ClinVar:

NM_014915.3(ANKRD26):c.-127A>T

Gene: ANKRD26 (ankyrin repeat domain 26; minus strand). Cytogenetic location: 10p12.1.
Variant type: single nucleotide variant.
Coding change: c.-127A>T on transcript NM_014915.3 (MANE Select); 127 bases upstream of the start codon, A replaced by T.
Molecular consequence: 5 prime UTR variant.
Genome position (GRCh38, 1-based): chr10:27,100,453, T>A on the plus strand (A>T on the coding strand, the complement: ANKRD26 is on the minus strand). VCF-style: chr10-27100453-T-A. GRCh37 (hg19) VCF-style: chr10-27389382-T-A.
Other names: p.?; -127A-T; c.-127A>T (NM_001256053.2).
Identifiers: ClinVar variation 626943 (VCV000626943.19), dbSNP rs1589393799, ClinGen allele CA913185989.

ClinVar aggregate classification (germline): Pathogenic/Likely pathogenic. Review status: criteria provided, multiple submitters, no conflicts (2 of 4 stars). 6 submissions from 6 submitters: Pathogenic (3); Likely pathogenic (1). 2 of the submissions do not count toward it. Last evaluated 2025-10-10.

Conditions:
Thrombocytopenia 2 (THC2). Also called: ANKRD26-Related Thrombocytopenia. Identifiers: Orphanet 268322, MedGen C1861185, MONDO:0008555, OMIM 188000.
Thrombocytopenia. Identifiers: MedGen C0040034, MeSH D013921, MONDO:0002049, HP:0001873.

Submissions (6):

Mayo Clinic Laboratories, Mayo Clinic
Classification: Pathogenic. Last evaluated: 2025-10-10. Review status: criteria provided, single submitter. Criteria: ACMG Guidelines, 2015. Collection method: clinical testing. Allele origin: germline. Observed: 2 variant alleles.
Comment: PP1_strong, PM1, PM2_supporting, PS3, PS4_moderate

Labcorp Genetics (formerly Invitae), Labcorp
Classification: Pathogenic. Last evaluated: 2025-07-01. Review status: criteria provided, single submitter. Criteria: Invitae Variant Classification Sherloc (09022015). Collection method: clinical testing. Allele origin: germline.
Comment: This variant occurs in a non-coding region of the ANKRD26 gene. It does not change the encoded amino acid sequence of the ANKRD26 protein. This variant is not present in population databases (gnomAD no frequency). This variant has been observed in individual(s) with thrombocytopenia (PMID: 21211618, 25902755, 32659145). It has also been observed to segregate with disease in related individuals. ClinVar contains an entry for this variant (Variation ID: 626943). Studies have shown that this variant alters ANKRD26 gene expression (PMID: 21211618). For these reasons, this variant has been classified as Pathogenic.

Women's Health and Genetics/Laboratory Corporation of America, LabCorp
Classification: Pathogenic for Thrombocytopenia 2. Last evaluated: 2022-05-25. Review status: criteria provided, single submitter. Criteria: LabCorp Variant Classification Summary - May 2015. Collection method: clinical testing. Allele origin: germline.
Comment: Variant summary: ANKRD26 c.-127A>T alters a non-conserved nucleotide located in the untranslated mRNA region upstream of the initiation codon. Mutations in the 5'-UTR of the ANKRD26 gene have been reported as a frequent cause of Thrombocytopenia 2 (example, Bluteau_2014). The variant was absent in 31404 control chromosomes. c.-127A>T has been reported in the literature in multiple individuals affected with Thrombocytopenia 2 (example, Pippucci_2011, Zidan_2021). These data indicate that the variant is very likely to be associated with disease. At least one publication reports experimental evidence evaluating an impact on protein function and demonstrated that this and other 5'-UTR variants in ANKRD26 gene led to loss of inhibitory regulatory function of RUNX1 and FLH1 in a luciferase based assay in K562 cells in vitro (example, Bluteau_2014). One submitter has provided clinical-significance assessments for this variant to ClinVar after 2014 without evidence for independent evaluation and classified the variant as likely pathogenic. Based on the evidence outlined above, the variant was classified as pathogenic.

NIHR Bioresource Rare Diseases, University of Cambridge
Classification: Likely pathogenic for Thrombocytopenia. Last evaluated: 2019-02-01. Review status: criteria provided, single submitter. Criteria: ACMG Guidelines, 2015. Collection method: research. Allele origin: unknown. Affected: yes. Observed: 1 compound heterozygote. Study: ThromboGenomics.

Zotz-Klimas Genetics Lab, MVZ Zotz Klimas
Classification: Pathogenic for Thrombocytopenia 2. Last evaluated: 2023-10-09. Review status: no assertion criteria provided. Collection method: clinical testing. Allele origin: germline. Affected: yes. Not counted in ClinVar's aggregate classification.

OMIM
Classification: Pathogenic for THROMBOCYTOPENIA 2. Last evaluated: 2011-01-07. Review status: no assertion criteria provided. Collection method: literature only. Allele origin: germline. Not counted in ClinVar's aggregate classification.

Literature cited by the submitters: PubMed 21211618 (cited by 4 submitters); PubMed 21467542 (cited by Mayo Clinic Laboratories, Mayo Clinic); PubMed 22672365 (cited by Mayo Clinic Laboratories, Mayo Clinic); PubMed 24030261 (cited by Mayo Clinic Laboratories, Mayo Clinic); PubMed 24430186 (cited by Mayo Clinic Laboratories, Mayo Clinic and Women's Health and Genetics/Laboratory Corporation of America, LabCorp); PubMed 25902755 (cited by Mayo Clinic Laboratories, Mayo Clinic and Labcorp Genetics (formerly Invitae), Labcorp); PubMed 27108925 (cited by Mayo Clinic Laboratories, Mayo Clinic); PubMed 28698781 (cited by Mayo Clinic Laboratories, Mayo Clinic); PubMed 31064749 (cited by Mayo Clinic Laboratories, Mayo Clinic and NIHR Bioresource Rare Diseases, University of Cambridge); PubMed 32659145 (cited by 3 submitters); PubMed 35587581 (cited by Mayo Clinic Laboratories, Mayo Clinic); PubMed 36430862 (cited by Mayo Clinic Laboratories, Mayo Clinic); PubMed 36651276 (cited by Mayo Clinic Laboratories, Mayo Clinic); PubMed 37852929 (cited by Mayo Clinic Laboratories, Mayo Clinic).